The following is an entry in ClinVar:

ClinVar aggregate classification (germline): Uncertain significance. Review status: criteria provided, multiple submitters, no conflicts (2 of 4 stars). 3 submissions from 3 submitters: Uncertain significance (3). Last evaluated 2026-03-19.

Conditions:
Developmental and epileptic encephalopathy, 36 (DEE36). Also called: Epileptic encephalopathy, early infantile, 36; Congenital disorder of glycosylation, type Is; ALG13-CDG. Identifiers: Orphanet 324422, MedGen C4317295, MONDO:0010472, OMIM 300884.

Allele frequency attached by ClinVar (database versions not stated): gnomAD exomes below 0.00001; TOPMed 0.00001.
gnomAD v4.1: 2 of 1,211,781 alleles (0.00017%); highest among the groups gnomAD compares: Non-Finnish European, 0.00022%; no homozygotes.

Submissions (3):

Women's Health and Genetics/Laboratory Corporation of America, LabCorp
Classification: Uncertain significance. Last evaluated: 2026-03-19. Review status: criteria provided, single submitter. Criteria: LabCorp Variant Classification Summary - May 2015. Collection method: clinical testing. Allele origin: germline.
Comment: Variant summary: ALG13 c.539C>T (p.Pro180Leu) results in a non-conservative amino acid change in the encoded protein sequence. Algorithms developed to predict the effect of missense changes on protein structure and function are either unavailable or do not agree on the potential impact of this missense change. The variant was absent in 179296 control chromosomes. The available data on variant occurrences in the general population are insufficient to allow any conclusion about variant significance. To our knowledge, no occurrence of c.539C>T in individuals affected with ALG13-related conditions and no experimental evidence demonstrating its impact on protein function have been reported. ClinVar contains an entry for this variant (Variation ID: 2004455). Based on the evidence outlined above, the variant was classified as uncertain significance.

CeGaT Center for Human Genetics Tuebingen
Classification: Uncertain significance. Last evaluated: 2024-07-01. Review status: criteria provided, single submitter. Criteria: CeGaT Center For Human Genetics Tuebingen Variant Classification Criteria Version 2. Collection method: clinical testing. Allele origin: germline. Affected: yes. Observed: 1 variant allele.
Comment: ALG13: PM2, BP4

Labcorp Genetics (formerly Invitae), Labcorp
Classification: Uncertain significance for Developmental and epileptic encephalopathy, 36. Last evaluated: 2022-06-13. Review status: criteria provided, single submitter. Criteria: Invitae Variant Classification Sherloc (09022015). Collection method: clinical testing. Allele origin: germline.
Comment: This sequence change replaces proline, which is neutral and non-polar, with leucine, which is neutral and non-polar, at codon 180 of the ALG13 protein (p.Pro180Leu). This variant is not present in population databases (gnomAD no frequency). This variant has not been reported in the literature in individuals affected with ALG13-related conditions. Algorithms developed to predict the effect of missense changes on protein structure and function output the following: SIFT: "Tolerated"; PolyPhen-2: "Benign"; Align-GVGD: "Class C0". The leucine amino acid residue is found in multiple mammalian species, which suggests that this missense change does not adversely affect protein function. In summary, the available evidence is currently insufficient to determine the role of this variant in disease. Therefore, it has been classified as a Variant of Uncertain Significance.

NM_001099922.3(ALG13):c.539C>T (p.Pro180Leu)

Gene: ALG13 (ALG13 UDP-N-acetylglucosaminyltransferase subunit; plus strand). Cytogenetic location: Xq23.
Variant type: single nucleotide variant.
Coding change: c.539C>T on transcript NM_001099922.3 (MANE Select); coding-DNA position 539, C replaced by T.
Protein change: p.Pro180Leu; replaces proline 180 with leucine.
Molecular consequence: missense variant. On other transcripts: non-coding transcript variant (1).
Genome position (GRCh38, 1-based): chrX:111,708,182, C>T. VCF-style: chrX-111708182-C-T. GRCh37 (hg19) VCF-style: chrX-110951410-C-T.
Other names: c.539C>T, p.Pro180Leu (NM_001324292.2); c.227C>T, p.Pro76Leu (NM_001324293.1, NM_001257230.2, NM_001257234.2 and 1 more transcripts); c.305C>T, p.Pro102Leu (NM_001257231.2); short protein forms P102L, P180L, P76L.
Identifiers: ClinVar variation 2004455 (VCV002004455.18), dbSNP rs1939118137, ClinGen allele CA414249521.